The following is an entry in ClinVar:

NM_153460.4(IL17RC):c.2062C>A (p.Leu688Ile)

Genes: IL17RC (interleukin 17 receptor C; plus strand), LOC129936144 (ATAC-STARR-seq lymphoblastoid silent region 14051; plus strand). Cytogenetic location: 3p25.3.
Variant type: single nucleotide variant.
Coding change: c.2062C>A on transcript NM_153460.4 (MANE Select); coding-DNA position 2062, C replaced by A.
Protein change: p.Leu688Ile; replaces leucine 688 with isoleucine.
Molecular consequence: missense variant. On other transcripts: non-coding transcript variant (1).
Genome position (GRCh38, 1-based): chr3:9,933,492, C>A. VCF-style: chr3-9933492-C-A. GRCh37 (hg19) VCF-style: chr3-9975176-C-A.
Other names: c.2023C>A, p.Leu675Ile (NM_001203263.2); c.1972C>A, p.Leu658Ile (NM_001203264.2); c.1966C>A, p.Leu656Ile (NM_001203265.2); c.1984C>A, p.Leu662Ile (NM_001367278.1); c.1903C>A, p.Leu635Ile (NM_001367279.1); c.1978C>A, p.Leu660Ile (NM_001367280.1); c.2017C>A, p.Leu673Ile (NM_032732.6); c.2275C>A, p.Leu759Ile (NM_153461.4); short protein forms L759I, L688I, L658I, L673I, L656I, L660I, L635I, L662I.
Identifiers: ClinVar variation 542533 (VCV000542533.8), dbSNP rs199772854, ClinGen allele CA2247479.

ClinVar aggregate classification (germline): Uncertain significance (1 of 4 stars; one submission).

Conditions:
Candidiasis, familial, 9 (CANDF9). Identifiers: Orphanet 1334, MedGen C4225324, MONDO:0014642, OMIM 616445.

Allele frequency attached by ClinVar (database versions not stated): gnomAD 0.00005 and 0.00006; gnomAD exomes 0.00006 and 0.00008; TOPMed 0.00006; ESP Exome Variant Server 0.00008; ExAC 0.00011; 1000 Genomes Project 30x 0.00016; 1000 Genomes Project 0.00020.
gnomAD v4.1: 90 of 1,611,894 alleles (0.0056%); highest among the groups gnomAD compares: Admixed American, 0.012%; no homozygotes.

Submission:

Labcorp Genetics (formerly Invitae), Labcorp
Classification: Uncertain significance for Candidiasis, familial, 9. Last evaluated: 2025-10-16. Review status: criteria provided, single submitter. Criteria: Invitae Variant Classification Sherloc (09022015). Collection method: clinical testing. Allele origin: germline.
Comment: This sequence change replaces leucine, which is neutral and non-polar, with isoleucine, which is neutral and non-polar, at codon 759 of the IL17RC protein (p.Leu759Ile). This variant is present in population databases (rs199772854, gnomAD 0.03%). This variant has not been reported in the literature in individuals affected with IL17RC-related conditions. ClinVar contains an entry for this variant (Variation ID: 542533). An algorithm developed to predict the effect of missense changes on protein structure and function (PolyPhen-2) suggests that this variant is likely to be disruptive. In summary, the available evidence is currently insufficient to determine the role of this variant in disease. Therefore, it has been classified as a Variant of Uncertain Significance.